The following is an entry in ClinVar:

NM_005633.4(SOS1):c.21C>T (p.Pro7=)

Genes: SOS1 (SOS Ras/Rac guanine nucleotide exchange factor 1; minus strand), LOC129933535 (ATAC-STARR-seq lymphoblastoid silent region 11384; plus strand). Cytogenetic location: 2p22.1.
Variant type: single nucleotide variant.
Coding change: c.21C>T on transcript NM_005633.4 (MANE Select); coding-DNA position 21, C replaced by T.
Protein change: p.Pro7=; no amino-acid change (proline 7 retained).
Molecular consequence: synonymous variant. On other transcripts: intron variant (1).
Genome position (GRCh38, 1-based): chr2:39,120,402, G>A on the plus strand (C>T on the coding strand, the complement: SOS1 is on the minus strand). VCF-style: chr2-39120402-G-A. GRCh37 (hg19) VCF-style: chr2-39347543-G-A.
Other names: c.21C>T, p.Pro7= (NM_001382395.1); c.66+4262C>T (NM_001382394.1).
Identifiers: ClinVar variation 179402 (VCV000179402.38), dbSNP rs727504845, ClinGen allele CA184349.
Genomic context (GRCh38, chr2:39,120,402, plus strand): 5'-CAGCGCAGGCACCAGTAGTCCCCGCCACTTGGGCGCGTTCTCTTCGCTGAAAAACTCGTA[G>A]GGCAGCTGCTGCGCCTGCATGGTGCCCCCGGGGCGCCTCTGGGCGGGGAGAGGGGCGGCG-3'
Protein context (NP_005624.2, residues 1-17): MQAQQL[Pro7=]YEFFSEENAP

ClinVar aggregate classification (germline): Likely benign. Review status: criteria provided, multiple submitters, no conflicts (2 of 4 stars). 5 submissions from 4 submitters: Likely benign (5). Last evaluated 2023-05-04.

Conditions:
RASopathy. Also called: rasopathies; Noonan spectrum disorder. Identifiers: Orphanet 536391, MedGen C5555857, MONDO:0021060.
Noonan syndrome 4 (NS4). Also called: SOS1-Related Noonan Syndrome; NOONAN SYNDROME WITH PIGMENTED VILLONODULAR SYNOVITIS. Identifiers: Orphanet 648, MedGen C1853120, MONDO:0012547, OMIM 610733.
Fibromatosis, gingival, 1 (GINGF1). Identifiers: Orphanet 2024, MedGen C4551558, MONDO:0007609, OMIM 135300.

Allele frequency attached by ClinVar (database versions not stated): gnomAD exomes below 0.00001; ExAC 0.00001.
gnomAD v4.1: 8 of 1,598,578 alleles (0.0005%); highest among the groups gnomAD compares: South Asian, 0.0067%; 1 homozygote.

Submissions (5):

Labcorp Genetics (formerly Invitae), Labcorp
Classification: Likely benign for RASopathy. Last evaluated: 2023-05-04. Review status: criteria provided, single submitter. Criteria: Invitae Variant Classification Sherloc (09022015). Collection method: clinical testing. Allele origin: germline.

CeGaT Center for Human Genetics Tuebingen
Classification: Likely benign. Last evaluated: 2023-03-01. Review status: criteria provided, single submitter. Criteria: CeGaT Center For Human Genetics Tuebingen Variant Classification Criteria Version 2. Collection method: clinical testing. Allele origin: germline. Affected: yes. Observed: 1 variant allele.
Comment: SOS1: BP4, BP7

Laboratory for Molecular Medicine, Mass General Brigham Personalized Medicine
Classification: Likely benign. Last evaluated: 2013-11-12. Review status: criteria provided, single submitter. Criteria: LMM Criteria. Collection method: clinical testing. Allele origin: germline. Observed: 1 variant allele.
Comment: Pro7Pro in exon 1 of SOS1: This variant is not expected to have clinical signifi cance because it does not alter an amino acid residue and is not located within the splice consensus sequence.

Genome-Nilou Lab
Classification: Likely benign for Noonan syndrome 4. Review status: criteria provided, single submitter. Criteria: ACMG Guidelines, 2015. Collection method: clinical testing. Allele origin: germline.

Genome-Nilou Lab
Classification: Likely benign for Fibromatosis, gingival, 1. Review status: criteria provided, single submitter. Criteria: ACMG Guidelines, 2015. Collection method: clinical testing. Allele origin: germline.